The following is an entry in ClinVar:

ClinVar aggregate classification (germline): Uncertain significance (1 of 4 stars; one submission).

Conditions:
Dilated cardiomyopathy 1W (CMD1W). Identifiers: Orphanet 154, MedGen C1969639, MONDO:0012667, OMIM 611407.

Submission:

Labcorp Genetics (formerly Invitae), Labcorp
Classification: Uncertain significance for Dilated cardiomyopathy 1W. Last evaluated: 2024-05-26. Review status: criteria provided, single submitter. Criteria: Invitae Variant Classification Sherloc (09022015). Collection method: clinical testing. Allele origin: germline.
Comment: This sequence change replaces alanine, which is neutral and non-polar, with threonine, which is neutral and polar, at codon 411 of the VCL protein (p.Ala411Thr). This variant is not present in population databases (gnomAD no frequency). This variant has not been reported in the literature in individuals affected with VCL-related conditions. An algorithm developed to predict the effect of missense changes on protein structure and function (PolyPhen-2) suggests that this variant is likely to be tolerated. In summary, the available evidence is currently insufficient to determine the role of this variant in disease. Therefore, it has been classified as a Variant of Uncertain Significance.

NM_014000.3(VCL):c.1231G>A (p.Ala411Thr)

Gene: VCL (vinculin; plus strand). Cytogenetic location: 10q22.2.
Variant type: single nucleotide variant.
Coding change: c.1231G>A on transcript NM_014000.3 (MANE Select); coding-DNA position 1231, G replaced by A.
Protein change: p.Ala411Thr; replaces alanine 411 with threonine.
Molecular consequence: missense variant.
Genome position (GRCh38, 1-based): chr10:74,090,077, G>A. VCF-style: chr10-74090077-G-A. GRCh37 (hg19) VCF-style: chr10-75849835-G-A.
Other names: c.1231G>A, p.Ala411Thr (NM_003373.4); short protein forms A411T.
Identifiers: ClinVar variation 3622880 (VCV003622880.2).